The following is an entry in ClinVar:

NM_000128.4(F11):c.*175C>T

Genes: F11 (coagulation factor XI; plus strand), F11-AS1 (F11 antisense RNA 1; minus strand). Cytogenetic location: 4q35.2.
Variant type: single nucleotide variant.
Coding change: c.*175C>T on transcript NM_000128.4 (MANE Select); 175 bases downstream of the stop codon, C replaced by T.
Molecular consequence: 3 prime UTR variant. On other transcripts: non-coding transcript variant (1).
Genome position (GRCh38, 1-based): chr4:186,288,789, C>T. VCF-style: chr4-186288789-C-T. GRCh37 (hg19) VCF-style: chr4-187209943-C-T.
Identifiers: ClinVar variation 901159 (VCV000901159.4), dbSNP rs148610742, ClinGen allele CA112106500.
Genomic context (GRCh38, chr4:186,288,789, plus strand): 5'-TGTTTGTAAGAAAATGCTAGAAGAAAACAAACTGTCACAAGTTGTTATGTCCAAAACTCC[C>T]GTTCTATGATCGTTGTAGTTTGTTTGAGCATTCAGTCTCTTTGTTTTTGATCACGCTTCT-3'

ClinVar aggregate classification (germline): Benign (1 of 4 stars; one submission).

Conditions:
Hereditary factor XI deficiency disease. Also called: PLASMA THROMBOPLASTIN ANTECEDENT DEFICIENCY; PTA DEFICIENCY; ROSENTHAL SYNDROME; Congenital factor XI deficiency. Identifiers: Orphanet 329, MedGen C0015523, MeSH D005173, MONDO:0012897, OMIM 612416.

Allele frequency attached by ClinVar (database versions not stated): gnomAD 0.00153 and 0.00203; TOPMed 0.00178; gnomAD exomes 0.00275; 1000 Genomes Project 30x 0.00718; 1000 Genomes Project 0.00759.
gnomAD v4.1: 1,845 of 699,766 alleles (0.26%); highest among the groups gnomAD compares: East Asian, 3.4%; 27 homozygotes.

Submission:

Illumina Laboratory Services, Illumina
Classification: Benign for Hereditary factor XI deficiency disease. Last evaluated: 2018-01-12. Review status: criteria provided, single submitter. Criteria: ICSL Variant Classification Criteria 13 December 2019. Collection method: clinical testing. Allele origin: germline.
Comment: This variant was observed in the ICSL laboratory as part of a predisposition screen in an ostensibly healthy population. It had not been previously curated by ICSL or reported in the Human Gene Mutation Database (HGMD: prior to June 1st, 2018), and was therefore a candidate for classification through an automated scoring system. Utilizing variant allele frequency, disease prevalence and penetrance estimates, and inheritance mode, an automated score was calculated to assess if this variant is too frequent to cause the disease. Based on the score and internal cut-off values, a variant classified as benign is not then subjected to further curation. The score for this variant resulted in a classification of benign for this disease.